The following is an entry in ClinVar:

ClinVar aggregate classification (germline): Uncertain significance (1 of 4 stars; one submission).

Conditions:
Fanconi anemia (FA). Also called: Fanconi's anemia. Identifiers: Orphanet 84, MedGen C0015625, MeSH D005199, MONDO:0019391.

Allele frequency attached by ClinVar (database versions not stated): TOPMed 0.00001.

Submission:

Labcorp Genetics (formerly Invitae), Labcorp
Classification: Uncertain significance for Fanconi anemia. Last evaluated: 2023-11-27. Review status: criteria provided, single submitter. Criteria: Invitae Variant Classification Sherloc (09022015). Collection method: clinical testing. Allele origin: germline.
Comment: This sequence change replaces methionine, which is neutral and non-polar, with isoleucine, which is neutral and non-polar, at codon 1276 of the FANCI protein (p.Met1276Ile). This variant is not present in population databases (gnomAD no frequency). This variant has not been reported in the literature in individuals affected with FANCI-related conditions. ClinVar contains an entry for this variant (Variation ID: 1019655). An algorithm developed to predict the effect of missense changes on protein structure and function (PolyPhen-2) suggests that this variant is likely to be disruptive. In summary, the available evidence is currently insufficient to determine the role of this variant in disease. Therefore, it has been classified as a Variant of Uncertain Significance.

NM_001113378.2(FANCI):c.3828G>A (p.Met1276Ile)

Gene: FANCI (FA complementation group I; plus strand). Cytogenetic location: 15q26.1.
Variant type: single nucleotide variant.
Coding change: c.3828G>A on transcript NM_001113378.2 (MANE Select); coding-DNA position 3828, G replaced by A.
Protein change: p.Met1276Ile; replaces methionine 1276 with isoleucine.
Molecular consequence: missense variant.
Genome position (GRCh38, 1-based): chr15:89,315,293, G>A. VCF-style: chr15-89315293-G-A. GRCh37 (hg19) VCF-style: chr15-89858524-G-A.
Other names: c.3549G>A, p.Met1183Ile (NM_001376910.1); c.3828G>A, p.Met1276Ile (NM_001376911.1); c.3648G>A, p.Met1216Ile (NM_018193.3); short protein forms M1183I, M1216I, M1276I.
Identifiers: ClinVar variation 1019655 (VCV001019655.7), dbSNP rs745401006, ClinGen allele CA274534264.